The following is an entry in ClinVar:

NM_021954.4(GJA3):c.260C>T (p.Thr87Met)

Gene: GJA3 (gap junction protein alpha 3; minus strand). Cytogenetic location: 13q12.11.
Variant type: single nucleotide variant.
Coding change: c.260C>T on transcript NM_021954.4 (MANE Select); coding-DNA position 260, C replaced by T.
Protein change: p.Thr87Met; replaces threonine 87 with methionine.
Molecular consequence: missense variant.
Genome position (GRCh38, 1-based): chr13:20,143,029, G>A on the plus strand (C>T on the coding strand, the complement: GJA3 is on the minus strand). VCF-style: chr13-20143029-G-A. GRCh37 (hg19) VCF-style: chr13-20717168-G-A.
Other names: short protein forms T87M.
Identifiers: ClinVar variation 217334 (VCV000217334.3), dbSNP rs864309687, ClinGen allele CA278832.

ClinVar aggregate classification (germline): Pathogenic/Likely pathogenic. Review status: criteria provided, multiple submitters, no conflicts (2 of 4 stars). 3 submissions from 3 submitters: Pathogenic (1); Likely pathogenic (1). 1 of the submissions does not count toward it. Last evaluated 2025-03-28.

Conditions:
Bilateral congenital or childhood onset cataracts.
Cataract 14 multiple types. Also called: CATARACT 14, ZONULAR PULVERULENT; CATARACT 14, NUCLEAR PULVERULENT; CATARACT 14, NUCLEAR PULVERULENT AND POSTERIOR POLAR; CATARACT 14, NUCLEAR CORALLIFORM; CATARACT 14, EMBRYONAL NUCLEAR; CATARACT 14, COPPOCK-LIKE. Identifiers: Orphanet 91492, MedGen C1866078, MONDO:0011162, OMIM 601885.
Developmental cataract. Also called: Bilateral cataracts; Congenital cataracts; Congenital cataract. Identifiers: MedGen C0009691, HP:0000519.

Submissions (3):

North West Genomic Laboratory Hub, Manchester University NHS Foundation Trust
Classification: Pathogenic for Bilateral congenital or childhood onset cataracts. Last evaluated: 2025-03-28. Review status: criteria provided, single submitter. Criteria: ACGS Best Practice Guidelines for Variant Classification in Rare Disease 2024. Collection method: clinical testing. Allele origin: germline. Affected: yes.
Comment: PS4_Mod PP3_Supp PM1_Supp PP1_Str PM2_Mod

Dept. Genetics and Cancer, Menzies Institute for Medical Research, University of Tasmania
Classification: Likely pathogenic for Cataract 14 multiple types. Last evaluated: 2023-01-21. Review status: criteria provided, single submitter. Criteria: ACMG Guidelines, 2015. Collection method: curation. Allele origin: germline. Affected: yes.
Comment: Variant identified and curated during a GJA3 specific review of the literature in relation to pediatric or congenital cataract. ACMG-AMP criteria applied: PM1, PS4(Supporting), PM2(Supporting), PP1, PP3. Original variant report: PMID:17615540;26694549. The cataract phenotype/s reported for this variant are: Nuclear white spots (peal-box), and Lamellar with anterior/posterior sutural component. Gene review and curation guidelines are outlined in: DOI 10.1080/17469899.2023.2160320

Eye Genetics Research Group, Children's Medical Research Institute
Classification: Pathogenic for Developmental cataract. Last evaluated: 2015-01-09. Review status: no assertion criteria provided. Collection method: research. Allele origin: inherited. Affected: yes. Not counted in ClinVar's aggregate classification.

Literature cited by the submitters: PubMed 17615540 (cited by Dept. Genetics and Cancer, Menzies Institute for Medical Research, University of Tasmania); PubMed 26694549 (cited by Dept. Genetics and Cancer, Menzies Institute for Medical Research, University of Tasmania and Eye Genetics Research Group, Children's Medical Research Institute).